The following is an entry in ClinVar:

ClinVar aggregate classification (germline): Uncertain significance (1 of 4 stars; one submission).

Conditions:
Short-rib thoracic dysplasia 11 with or without polydactyly (SRTD11). Also called: SHORT-RIB THORACIC DYSPLASIA 11 WITHOUT POLYDACTYLY. Identifiers: Orphanet 474, Orphanet 93271, MedGen C3810200, MONDO:0014287, OMIM 615633.

Allele frequency attached by ClinVar (database versions not stated): TOPMed below 0.00001; gnomAD exomes 0.00001 and 0.00002.
gnomAD v4.1: 32 of 1,576,540 alleles (0.002%); highest among the groups gnomAD compares: Non-Finnish European, 0.0023%; no homozygotes.

Submission:

Labcorp Genetics (formerly Invitae), Labcorp
Classification: Uncertain significance for Short-rib thoracic dysplasia 11 with or without polydactyly. Last evaluated: 2021-10-15. Review status: criteria provided, single submitter. Criteria: Invitae Variant Classification Sherloc (09022015). Collection method: clinical testing. Allele origin: germline.
Comment: In summary, the available evidence is currently insufficient to determine the role of this variant in disease. Therefore, it has been classified as a Variant of Uncertain Significance. Algorithms developed to predict the effect of missense changes on protein structure and function (SIFT, PolyPhen-2, Align-GVGD) all suggest that this variant is likely to be tolerated. This sequence change replaces serine with asparagine at codon 399 of the WDR34 protein (p.Ser399Asn). The serine residue is highly conserved and there is a small physicochemical difference between serine and asparagine. This variant is not present in population databases (ExAC no frequency). This variant has not been reported in the literature in individuals affected with WDR34-related conditions.

NM_052844.4(DYNC2I2):c.1196G>A (p.Ser399Asn)

Genes: DYNC2I2 (dynein 2 intermediate chain 2; minus strand), LOC126860772 (CDK7 strongly-dependent group 2 enhancer GRCh37_chr9:131396972-131398171; plus strand). Cytogenetic location: 9q34.11.
Variant type: single nucleotide variant.
Coding change: c.1196G>A on transcript NM_052844.4 (MANE Select); coding-DNA position 1196, G replaced by A.
Protein change: p.Ser399Asn; replaces serine 399 with asparagine.
Molecular consequence: missense variant.
Genome position (GRCh38, 1-based): chr9:128,634,707, C>T on the plus strand (G>A on the coding strand, the complement: DYNC2I2 is on the minus strand). VCF-style: chr9-128634707-C-T. GRCh37 (hg19) VCF-style: chr9-131396986-C-T.
Other names: short protein forms S399N.
Identifiers: ClinVar variation 1681196 (VCV001681196.6), dbSNP rs777148395, ClinGen allele CA200418231.